The following is an entry in ClinVar:

ClinVar aggregate classification (germline): Uncertain significance (1 of 4 stars; one submission).

Submission:

GeneDx
Classification: Uncertain significance. Last evaluated: 2024-06-27. Review status: criteria provided, single submitter. Criteria: GeneDx Variant Classification Process June 2021. Collection method: clinical testing. Allele origin: germline. Affected: yes.
Comment: Nonsense variant predicted to result in protein truncation or nonsense mediated decay in a gene or region of a gene for which loss of function is not a well-established mechanism of disease; Not observed at significant frequency in large population cohorts (gnomAD); Has not been previously published as pathogenic or benign to our knowledge; Variants in candidate genes are classified as variants of uncertain significance in accordance with ACMG guidelines (PMID: 25741868)

NM_001037283.2(EIF3B):c.1105C>T (p.Gln369Ter)

Gene: EIF3B (eukaryotic translation initiation factor 3 subunit B; plus strand). Cytogenetic location: 7p22.3.
Variant type: single nucleotide variant.
Coding change: c.1105C>T on transcript NM_001037283.2 (MANE Select); coding-DNA position 1105, C replaced by T.
Protein change: p.Gln369Ter; replaces glutamine 369 with a stop codon.
Molecular consequence: nonsense.
Genome position (GRCh38, 1-based): chr7:2,364,477, C>T. VCF-style: chr7-2364477-C-T. GRCh37 (hg19) VCF-style: chr7-2404112-C-T.
Other names: c.1105C>T, p.Gln369Ter (NM_001362791.2, NM_003751.4); c.289C>T, p.Gln97Ter (NM_001362792.2, NM_001362793.2); short protein forms Q369*, Q97*.
Identifiers: ClinVar variation 4529737 (VCV004529737.1).